The following is an entry in ClinVar:

ClinVar aggregate classification (germline): Likely pathogenic (1 of 4 stars; one submission).

Submission:

Dasa
Classification: Likely pathogenic. Last evaluated: 2024-12-17. Review status: criteria provided, single submitter. Criteria: DASA Assertion Criteria. Collection method: clinical testing. Allele origin: germline.
Comment: NM_032119.4(ADGRV1):c.5824G>T (p.Glu1942*) is a nonsense variant in ADGRV1 predicted to introduce a premature termination codon and is predicted to result in an absent or altered protein product. Loss of function is an established disease mechanism for ADGRV1-associated disorders. Also, this variant is absent from population databases. Based on the currently available evidence, this variant is classified as likely pathogenic.

NM_032119.4(ADGRV1):c.5824G>T (p.Glu1942Ter)

Gene: ADGRV1 (adhesion G protein-coupled receptor V1; plus strand). Cytogenetic location: 5q14.3.
Variant type: single nucleotide variant.
Coding change: c.5824G>T on transcript NM_032119.4 (MANE Select); coding-DNA position 5824, G replaced by T.
Protein change: p.Glu1942Ter; replaces glutamic acid 1942 with a stop codon.
Molecular consequence: nonsense. On other transcripts: non-coding transcript variant (1).
Genome position (GRCh38, 1-based): chr5:90,683,745, G>T. VCF-style: chr5-90683745-G-T. GRCh37 (hg19) VCF-style: chr5-89979562-G-T.
Other names: short protein forms E1942*.
Identifiers: ClinVar variation 4886655 (VCV004886655.2).
Genomic context (GRCh38, chr5:90,683,745, plus strand): 5'-TTTGAGATTGGGCAGACGAGCGCCAATATCACTGTGGAGATATTGCCTGACGAAGACCCA[G>T]AACTGGATAAGGCATTCTCTGTGTCAGTCCTCAGTGTTTCCAGTGGTTCTTTGGGAGCTC-3'